The following is an entry in ClinVar:

NM_000070.3(CAPN3):c.794C>T (p.Ser265Phe)

Gene: CAPN3 (calpain 3; plus strand). Cytogenetic location: 15q15.1.
Variant type: single nucleotide variant.
Coding change: c.794C>T on transcript NM_000070.3 (MANE Select); coding-DNA position 794, C replaced by T.
Protein change: p.Ser265Phe; replaces serine 265 with phenylalanine.
Molecular consequence: missense variant.
Genome position (GRCh38, 1-based): chr15:42,389,089, C>T. VCF-style: chr15-42389089-C-T. GRCh37 (hg19) VCF-style: chr15-42681287-C-T.
Other names: c.794C>T, p.Ser265Phe (NM_024344.2, NM_173087.2); short protein forms S265F.
Identifiers: ClinVar variation 285655 (VCV000285655.6), dbSNP rs886043166, ClinGen allele CA10605192.

ClinVar aggregate classification (germline): Uncertain significance. Review status: criteria provided, multiple submitters, no conflicts (2 of 4 stars). 2 submissions from 2 submitters: Uncertain significance (2). Last evaluated 2025-10-27.

Allele frequency attached by ClinVar (database versions not stated): gnomAD exomes below 0.00001.
gnomAD v4.1: 1 of 1,613,962 alleles (0.000062%); highest among the groups gnomAD compares: Non-Finnish European, 0.000085%; no homozygotes.

Submissions (2):

Women's Health and Genetics/Laboratory Corporation of America, LabCorp
Classification: Uncertain significance. Last evaluated: 2025-10-27. Review status: criteria provided, single submitter. Criteria: LabCorp Variant Classification Summary - May 2015. Collection method: clinical testing. Allele origin: germline.
Comment: Variant summary: CAPN3 c.794C>T (p.Ser265Phe) results in a non-conservative amino acid change in the encoded protein sequence. Algorithms developed to predict the effect of missense changes on protein structure and function all suggest that this variant is likely to be disruptive. The variant was absent in 251186 control chromosomes (gnomAD). The available data on variant occurrences in the general population are insufficient to allow any conclusion about variant significance. c.794C>T has been observed in an individual affected with Limb-Girdle Muscular Dystrophy (Nallamilli_2018). This report does not provide unequivocal conclusions about association of the variant with Limb-Girdle Muscular Dystrophy, Autosomal Recessive. To our knowledge, no experimental evidence demonstrating an impact on protein function has been reported. The following publication has been ascertained in the context of this evaluation (PMID: 30564623). ClinVar contains an entry for this variant (Variation ID: 285655). Based on the evidence outlined above, the variant was classified as uncertain significance.

Eurofins Ntd Llc (ga)
Classification: Uncertain significance. Last evaluated: 2016-01-08. Review status: criteria provided, single submitter. Criteria: EGL Classification Definitions 2015. Collection method: clinical testing. Allele origin: germline. Observed: 1 variant allele, 1 heterozygote.

Literature cited by the submitters: PubMed 30564623 (cited by Women's Health and Genetics/Laboratory Corporation of America, LabCorp).